The following is an entry in ClinVar:

ClinVar aggregate classification (germline): Uncertain significance. Review status: criteria provided, multiple submitters, no conflicts (2 of 4 stars). 2 submissions from 2 submitters: Uncertain significance (2). Last evaluated 2025-10-18.

Conditions:
Werner syndrome (WRN). Identifiers: Orphanet 902, MedGen C0043119, MONDO:0010196, OMIM 277700.
Inborn genetic diseases. Identifiers: MedGen C0950123, MeSH D030342.

Allele frequency attached by ClinVar (database versions not stated): gnomAD exomes below 0.00001; ExAC 0.00001; gnomAD 0.00001; TOPMed 0.00001.
gnomAD v4.1: 3 of 1,591,346 alleles (0.00019%); highest among the groups gnomAD compares: Admixed American, 0.0017%; no homozygotes.

Submissions (2):

Ambry Genetics
Classification: Uncertain significance for Inborn genetic diseases. Last evaluated: 2025-10-18. Review status: criteria provided, single submitter. Criteria: Ambry Variant Classification Scheme 2023. Collection method: clinical testing. Allele origin: germline.

Labcorp Genetics (formerly Invitae), Labcorp
Classification: Uncertain significance for Werner syndrome. Last evaluated: 2023-12-27. Review status: criteria provided, single submitter. Criteria: Invitae Variant Classification Sherloc (09022015). Collection method: clinical testing. Allele origin: germline.
Comment: This sequence change replaces proline, which is neutral and non-polar, with serine, which is neutral and polar, at codon 1114 of the WRN protein (p.Pro1114Ser). This variant is present in population databases (rs749621372, gnomAD 0.003%). This variant has not been reported in the literature in individuals affected with WRN-related conditions. ClinVar contains an entry for this variant (Variation ID: 570858). An algorithm developed to predict the effect of missense changes on protein structure and function (PolyPhen-2) suggests that this variant is likely to be tolerated. RNA analysis performed to evaluate the impact of this missense change on mRNA splicing indicates it does not significantly alter splicing (Invitae). In summary, the available evidence is currently insufficient to determine the role of this variant in disease. Therefore, it has been classified as a Variant of Uncertain Significance.

NM_000553.6(WRN):c.3340C>T (p.Pro1114Ser)

Gene: WRN (WRN RecQ like helicase; plus strand). Cytogenetic location: 8p12.
Variant type: single nucleotide variant.
Coding change: c.3340C>T on transcript NM_000553.6 (MANE Select); coding-DNA position 3340, C replaced by T.
Protein change: p.Pro1114Ser; replaces proline 1114 with serine.
Molecular consequence: missense variant.
Genome position (GRCh38, 1-based): chr8:31,143,580, C>T. VCF-style: chr8-31143580-C-T. GRCh37 (hg19) VCF-style: chr8-31001096-C-T.
Other names: short protein forms P1114S.
Identifiers: ClinVar variation 570858 (VCV000570858.10), dbSNP rs749621372, ClinGen allele CA4705021.